The following is an entry in ClinVar:

ClinVar aggregate classification (germline): Uncertain significance. Review status: criteria provided, multiple submitters, no conflicts (2 of 4 stars). 2 submissions from 2 submitters: Uncertain significance (2). Last evaluated 2025-01-19.

Allele frequency attached by ClinVar (database versions not stated): gnomAD 0.00001; 1000 Genomes Project 0.00020; 1000 Genomes Project 30x 0.00031.
gnomAD v4.1: 22 of 1,612,908 alleles (0.0014%); highest among the groups gnomAD compares: South Asian, 0.0055%; no homozygotes.

Submissions (2):

Labcorp Genetics (formerly Invitae), Labcorp
Classification: Uncertain significance. Last evaluated: 2025-01-19. Review status: criteria provided, single submitter. Criteria: Invitae Variant Classification Sherloc (09022015). Collection method: clinical testing. Allele origin: germline.
Comment: This sequence change replaces arginine, which is basic and polar, with glutamine, which is neutral and polar, at codon 320 of the TUBA8 protein (p.Arg320Gln). This variant is present in population databases (rs567090235, gnomAD 0.007%). This variant has not been reported in the literature in individuals affected with TUBA8-related conditions. ClinVar contains an entry for this variant (Variation ID: 1992116). Invitae Evidence Modeling of protein sequence and biophysical properties (such as structural, functional, and spatial information, amino acid conservation, physicochemical variation, residue mobility, and thermodynamic stability) indicates that this missense variant is expected to disrupt TUBA8 protein function with a positive predictive value of 80%. In summary, the available evidence is currently insufficient to determine the role of this variant in disease. Therefore, it has been classified as a Variant of Uncertain Significance.

Ambry Genetics
Classification: Uncertain significance. Last evaluated: 2024-02-06. Review status: criteria provided, single submitter. Criteria: Ambry Variant Classification Scheme 2023. Collection method: clinical testing. Allele origin: germline.

NM_018943.3(TUBA8):c.959G>A (p.Arg320Gln)

Gene: TUBA8 (tubulin alpha 8; plus strand). Cytogenetic location: 22q11.21.
Variant type: single nucleotide variant.
Coding change: c.959G>A on transcript NM_018943.3 (MANE Select); coding-DNA position 959, G replaced by A.
Protein change: p.Arg320Gln; replaces arginine 320 with glutamine.
Molecular consequence: missense variant.
Genome position (GRCh38, 1-based): chr22:18,126,937, G>A. VCF-style: chr22-18126937-G-A. GRCh37 (hg19) VCF-style: chr22-18609704-G-A.
Other names: c.959G>A (NM_018943.2); c.761G>A, p.Arg254Gln (NM_001193414.2); short protein forms R254Q, R320Q.
Identifiers: ClinVar variation 1992116 (VCV001992116.5), dbSNP rs567090235, ClinGen allele CA10093795.